The following is an entry in ClinVar:

NM_006846.4(SPINK5):c.2870del (p.Leu957fs)

Gene: SPINK5 (serine peptidase inhibitor Kazal type 5; plus strand). Cytogenetic location: 5q32.
Variant type: Deletion.
Coding change: c.2870del on transcript NM_006846.4 (MANE Select); coding-DNA position 2870, one base deleted (T; older notation c.2870delT).
Protein change: p.Leu957fs; shifts the reading frame from leucine 957.
Molecular consequence: frameshift variant.
Genome position (GRCh38, 1-based): chr5:148,126,985, T deleted. VCF-style (leftmost placement, unchanged base first): chr5-148126984-CT-C. GRCh37 (hg19) VCF-style: chr5-147506547-CT-C.
Other names: c.2960del, p.Leu987fs (NM_001127698.2); short protein forms L957fs, L987fs.
Identifiers: ClinVar variation 2882667 (VCV002882667.6), dbSNP rs766754092, ClinGen allele CA3496178.

ClinVar aggregate classification (germline): Pathogenic/Likely pathogenic. Review status: criteria provided, multiple submitters, no conflicts (2 of 4 stars). 3 submissions from 3 submitters: Pathogenic (1); Likely pathogenic (2). Last evaluated 2025-12-09.

Conditions:
Netherton syndrome (NETH). Also called: ERYTHRODERMA, ICHTHYOSIFORM, WITH HYPOTRICHOSIS AND HYPER-IgE; NETHERTON DISEASE; COMEL-NETHERTON SYNDROME. Identifiers: Orphanet 634, MedGen C5574950, MONDO:0009735, OMIM 256500.
Ichthyosis linearis circumflexa. Identifiers: MedGen C0265962, MONDO:0043106, HP:0025810.

Allele frequency attached by ClinVar (database versions not stated): gnomAD exomes 0.00001; ExAC 0.00002; TOPMed 0.00002; gnomAD 0.00003.

Submissions (3):

Labcorp Genetics (formerly Invitae), Labcorp
Classification: Pathogenic for Ichthyosis linearis circumflexa. Last evaluated: 2025-12-09. Review status: criteria provided, single submitter. Criteria: Invitae Variant Classification Sherloc (09022015). Collection method: clinical testing. Allele origin: germline.
Comment: This sequence change creates a premature translational stop signal (p.Leu957Glnfs*46) in the SPINK5 gene. It is expected to result in an absent or disrupted protein product. Loss-of-function variants in SPINK5 are known to be pathogenic (PMID: 11511292, 11841556). This variant is present in population databases (rs766754092, gnomAD 0.03%). This variant has not been reported in the literature in individuals affected with SPINK5-related conditions. ClinVar contains an entry for this variant (Variation ID: 2882667). For these reasons, this variant has been classified as Pathogenic.

Fulgent Genetics
Classification: Likely pathogenic for Netherton syndrome. Last evaluated: 2024-04-19. Review status: criteria provided, single submitter. Criteria: ACMG Guidelines, 2015. Collection method: clinical testing. Allele origin: germline.

Juno Genomics, Hangzhou Juno Genomics, Inc
Classification: Likely pathogenic for Netherton syndrome. Review status: criteria provided, single submitter. Criteria: ACMG Guidelines, 2015. Collection method: clinical testing. Allele origin: germline.
Comment: Absent from controls (or at extremely low frequency if recessive) in Genome Aggregation Database.;Null variant in a gene where loss of function (LOF) is a known mechanism of disease.

Literature cited by the submitters: PubMed 11511292 (cited by Labcorp Genetics (formerly Invitae), Labcorp); PubMed 11841556 (cited by Labcorp Genetics (formerly Invitae), Labcorp).